The following is an entry in ClinVar:

NM_001010867.4(IBA57):c.569_579del (p.Arg190fs)

Gene: IBA57 (iron-sulfur cluster assembly factor IBA57; plus strand). Cytogenetic location: 1q42.13.
Variant type: Deletion.
Coding change: c.569_579del on transcript NM_001010867.4 (MANE Select); coding-DNA positions 569 to 579, 11 bases deleted (GAACAGCACGC).
Protein change: p.Arg190fs; shifts the reading frame from arginine 190.
Molecular consequence: frameshift variant. On other transcripts: 5 prime UTR variant (1).
Genome position (GRCh38, 1-based): chr1:228,174,919-228,174,929, GAACAGCACGC deleted; deleting any 11 consecutive bases within chr1:228,174,916-228,174,929 gives the same sequence; the c. name uses the placement nearest the transcript's 3' end. VCF-style (leftmost placement, unchanged base first): chr1-228174915-CCGCGAACAGCA-C. GRCh37 (hg19) VCF-style: chr1-228362616-CCGCGAACAGCA-C.
Other names: c.-11_-1del (NM_001310327.2); short protein forms R190fs.
Identifiers: ClinVar variation 2674639 (VCV002674639.3), dbSNP rs2034987478, ClinGen allele CA1225634341.

ClinVar aggregate classification (germline): Pathogenic. Review status: criteria provided, single submitter (1 of 4 stars). 2 submissions from 2 submitters: Pathogenic (1). 1 of the submissions does not count toward it. Last evaluated 2025-04-13.

Conditions:
Multiple mitochondrial dysfunctions syndrome 3 (MMDS3). Identifiers: Orphanet 363424, MedGen C3809165, MONDO:0014132, OMIM 615330.

Submissions (2):

GeneDx
Classification: Pathogenic. Last evaluated: 2025-04-13. Review status: criteria provided, single submitter. Criteria: GeneDx Variant Classification Process June 2021. Collection method: clinical testing. Allele origin: germline. Affected: yes.
Comment: Frameshift variant predicted to result in protein truncation or nonsense mediated decay in a gene for which loss of function is a known mechanism of disease; Not observed at significant frequency in large population cohorts (gnomAD); This variant is associated with the following publications: (PMID: 37903659)

OMIM
Classification: Pathogenic for MULTIPLE MITOCHONDRIAL DYSFUNCTIONS SYNDROME 3. Last evaluated: 2023-12-22. Review status: no assertion criteria provided. Collection method: literature only. Allele origin: germline. Not counted in ClinVar's aggregate classification.

Literature cited by the submitters: PubMed 37903659 (cited by OMIM).